The following is an entry in ClinVar:

ClinVar aggregate classification (germline): Uncertain significance (1 of 4 stars; one submission).

Conditions:
Primary ciliary dyskinesia 30. Also called: CILIARY DYSKINESIA, PRIMARY, 30, WITH OR WITHOUT SITUS INVERSUS. Identifiers: Orphanet 244, MedGen C4015016, MONDO:0014465, OMIM 616037.

Allele frequency attached by ClinVar (database versions not stated): gnomAD exomes 0.00001; gnomAD 0.00008 and 0.00009; TOPMed 0.00008.

Submission:

Labcorp Genetics (formerly Invitae), Labcorp
Classification: Uncertain significance for Primary ciliary dyskinesia 30. Last evaluated: 2016-09-09. Review status: criteria provided, single submitter. Criteria: Invitae Variant Classification Sherloc (09022015). Collection method: clinical testing. Allele origin: germline.
Comment: In summary, this variant is a novel missense change that is not predicted to affect protein function. There is no indication that it causes disease, but the available evidence is currently insufficient to prove that conclusively. Therefore, it has been classified as a Variant of Uncertain Significance. This sequence change replaces glutamic acid with aspartic acid at codon 345 of the CCDC151 protein (p.Glu345Asp). The glutamic acid residue is moderately conserved and there is a small physicochemical difference between glutamic acid and aspartic acid. This variant is not present in population databases (ExAC no frequency) and has not been reported in the literature in individuals with a CCDC151-related disease. Algorithms developed to predict the effect of missense changes on protein structure and function (SIFT, PolyPhen-2, Align-GVGD) all suggest that this variant is likely to be tolerated, but these predictions have not been confirmed by published functional studies.

NM_145045.5(ODAD3):c.1035G>C (p.Glu345Asp)

Gene: ODAD3 (outer dynein arm docking complex subunit 3; minus strand). Cytogenetic location: 19p13.2.
Variant type: single nucleotide variant.
Coding change: c.1035G>C on transcript NM_145045.5 (MANE Select); coding-DNA position 1035, G replaced by C.
Protein change: p.Glu345Asp; replaces glutamic acid 345 with aspartic acid.
Molecular consequence: missense variant.
Genome position (GRCh38, 1-based): chr19:11,423,958, C>G on the plus strand (G>C on the coding strand, the complement: ODAD3 is on the minus strand). VCF-style: chr19-11423958-C-G. GRCh37 (hg19) VCF-style: chr19-11534627-C-G.
Other names: c.873G>C, p.Glu291Asp (NM_001302453.1); c.855G>C, p.Glu285Asp (NM_001302454.2); short protein forms E345D, E285D, E291D.
Identifiers: ClinVar variation 406819 (VCV000406819.8), dbSNP rs1053136709, ClinGen allele CA16616215.